The following is an entry in ClinVar:

NM_000059.4(BRCA2):c.8722G>A (p.Val2908Met)

Gene: BRCA2 (BRCA2 DNA repair associated; plus strand). Cytogenetic location: 13q13.1.
Variant type: single nucleotide variant.
Coding change: c.8722G>A on transcript NM_000059.4 (MANE Select); coding-DNA position 8722, G replaced by A.
Protein change: p.Val2908Met; replaces valine 2908 with methionine.
Molecular consequence: missense variant.
Genome position (GRCh38, 1-based): chr13:32,376,759, G>A. VCF-style: chr13-32376759-G-A. GRCh37 (hg19) VCF-style: chr13-32950896-G-A.
Other names: short protein forms V2908M.
Identifiers: ClinVar variation 126188 (VCV000126188.13), dbSNP rs483353124, ClinGen allele CA025793.
Genomic context (GRCh38, chr13:32,376,759, plus strand): 5'-CGTGCACTAACAAGACAGCAAGTTCGTGCTTTGCAAGATGGTGCAGAGCTTTATGAAGCA[G>A]TGAAGAATGCAGCAGACCCAGCTTACCTTGAGGTGAGAGAGTAAGAGGACATATAATGAG-3'
Protein context (NP_000050.3, residues 2898-2918): LQDGAELYEA[Val2908Met]KNAADPAYLE

ClinVar aggregate classification (germline): Uncertain significance. Review status: criteria provided, multiple submitters, no conflicts (2 of 4 stars). 5 submissions from 5 submitters: Uncertain significance (4). 1 of the submissions does not count toward it. Last evaluated 2025-07-30.

Conditions:
Hereditary cancer-predisposing syndrome. Also called: Tumor predisposition; Hereditary Cancer Syndrome; Neoplastic Syndromes, Hereditary; Hereditary neoplastic syndrome. Identifiers: Orphanet 140162, MedGen C0027672, MeSH D009386, MONDO:0015356.
Hereditary breast ovarian cancer syndrome. Also called: Hereditary breast and ovarian cancer; Hereditary breast and/or ovarian cancer syndrome; BRCA1- and BRCA2-Associated Hereditary Breast and Ovarian Cancer; Hereditary breast and ovarian cancer syndrome; Hereditary breast and ovarian cancer syndrome (HBOC); Breast and ovarian cancer. Identifiers: Orphanet 145, MedGen C0677776, MeSH D061325, MONDO:0003582. Disease mechanism: loss of function.
Breast-ovarian cancer, familial, susceptibility to, 2 (BROVCA2). Also called: BRCA2 Hereditary Breast and Ovarian Cancer. Identifiers: Orphanet 145, MedGen C2675520, MONDO:0012933, OMIM 612555. Disease mechanism: loss of function.

Allele frequency attached by ClinVar (database versions not stated): gnomAD exomes below 0.00001.
gnomAD v4.1: 1 of 1,614,194 alleles (0.000062%); highest among the groups gnomAD compares: Non-Finnish European, 0.000085%; no homozygotes.

Submissions (5):

Color Diagnostics, LLC DBA Color Health
Classification: Uncertain significance for Hereditary cancer-predisposing syndrome. Last evaluated: 2025-07-30. Review status: criteria provided, single submitter. Criteria: ACMG Guidelines, 2015. Collection method: clinical testing. Allele origin: germline.
Comment: This missense variant replaces valine with methionine at codon 2908 of the BRCA2 protein. Computational prediction suggests that this variant may not impact protein structure and function. Functional studies have reported conflicting findings for this variant including no impact in a haploid cell proliferation assay (PMID: 39779857) and rescue of Brca2-deficient mouse embryonic stem cells in growth and sensitivity assays to cisplatin and PARP inhibitor (PMID: 37922907) versus a moderate impact in sensitivity assays to cisplatin and PARP inhibitor (PMID: 39779848). This variant has been reported in 1 family suspected to be affected with hereditary breast and ovarian cancer syndrome (PMID: 31409081). A multifactorial analysis has reached a combined likelihood ratio (LR) of 0.517 based on reported LR for co-occurrence with a pathogenic variant and personal and family history for 1 carrier (PMID: 31853058). This variant has not been identified in the general population by the Genome Aggregation Database (gnomAD). The available evidence is insufficient to determine the role of this variant in disease conclusively. Therefore, this variant is classified as a Variant of Uncertain Significance.

Labcorp Genetics (formerly Invitae), Labcorp
Classification: Uncertain significance for Hereditary breast ovarian cancer syndrome. Last evaluated: 2025-02-09. Review status: criteria provided, single submitter. Criteria: Invitae Variant Classification Sherloc (09022015). Collection method: clinical testing. Allele origin: germline.
Comment: This sequence change replaces valine, which is neutral and non-polar, with methionine, which is neutral and non-polar, at codon 2908 of the BRCA2 protein (p.Val2908Met). This variant is not present in population databases (gnomAD no frequency). This variant has not been reported in the literature in individuals affected with BRCA2-related conditions. ClinVar contains an entry for this variant (Variation ID: 126188). Invitae Evidence Modeling of protein sequence and biophysical properties (such as structural, functional, and spatial information, amino acid conservation, physicochemical variation, residue mobility, and thermodynamic stability) indicates that this missense variant is not expected to disrupt BRCA2 protein function with a negative predictive value of 95%. In summary, the available evidence is currently insufficient to determine the role of this variant in disease. Therefore, it has been classified as a Variant of Uncertain Significance.

Ambry Genetics
Classification: Uncertain significance for Hereditary cancer-predisposing syndrome. Last evaluated: 2023-03-20. Review status: criteria provided, single submitter. Criteria: Ambry Variant Classification Scheme 2023. Collection method: clinical testing. Allele origin: germline.
Comment: The p.V2908M variant (also known as c.8722G>A), located in coding exon 20 of the BRCA2 gene, results from a G to A substitution at nucleotide position 8722. The valine at codon 2908 is replaced by methionine, an amino acid with highly similar properties. This amino acid position is well conserved in available vertebrate species. In addition, the in silico prediction for this alteration is inconclusive. Since supporting evidence is limited at this time, the clinical significance of this alteration remains unclear.

GeneDx
Classification: Uncertain significance. Last evaluated: 2018-06-21. Review status: criteria provided, single submitter. Criteria: GeneDx Variant Classification (06012015). Collection method: clinical testing. Allele origin: germline. Affected: yes.
Comment: This variant is denoted BRCA2 c.8722G>A at the cDNA level, p.Val2908Met (V2908M) at the protein level, and results in the change of a Valine to a Methionine (GTG>ATG). Using alternate nomenclature, this variant would be defined as BRCA2 8950G>A. This variant has not, to our knowledge, been published in the literature as a pathogenic or benign germline variant. BRCA2 Val2908Met was not observed in large population cohorts (Lek 2016). This variant is located in the DNA binding domain (Yang 2002). In silico analysis, which includes protein predictors and evolutionary conservation, supports that this variant does not alter protein structure/function. Based on currently available evidence, it is unclear whether BRCA2 Val2908Met is a pathogenic or benign variant. We consider it to be a variant of uncertain significance.

Breast Cancer Information Core (BIC) (BRCA2)
Classification: Uncertain significance for Breast-ovarian cancer, familial 2. Last evaluated: 2012-06-27. Review status: no assertion criteria provided. Collection method: clinical testing. Allele origin: germline. Affected: yes. Observed: 1 variant allele. Not counted in ClinVar's aggregate classification.

Literature cited by the submitters: PubMed 31409081 (cited by Color Diagnostics, LLC DBA Color Health); PubMed 31853058 (cited by Color Diagnostics, LLC DBA Color Health); PubMed 37922907 (cited by Color Diagnostics, LLC DBA Color Health); PubMed 39779848 (cited by Color Diagnostics, LLC DBA Color Health); PubMed 39779857 (cited by Color Diagnostics, LLC DBA Color Health).